The following is an entry in ClinVar:

ClinVar aggregate classification (germline): Uncertain significance. Review status: criteria provided, multiple submitters, no conflicts (2 of 4 stars). 2 submissions from 2 submitters: Uncertain significance (2). Last evaluated 2025-03-27.

Conditions:
ALG8 congenital disorder of glycosylation. Also called: ALG8-CDG; CONGENITAL DISORDER OF GLYCOSYLATION, TYPE Ih; CDG Ih. Identifiers: Orphanet 79325, MedGen C2931002, MONDO:0011969, OMIM 608104.

Allele frequency attached by ClinVar (database versions not stated): gnomAD exomes 0.00001.
gnomAD v4.1: 7 of 1,613,124 alleles (0.00043%); highest among the groups gnomAD compares: Non-Finnish European, 0.00059%; no homozygotes.

Submissions (2):

Labcorp Genetics (formerly Invitae), Labcorp
Classification: Uncertain significance for ALG8 congenital disorder of glycosylation. Last evaluated: 2025-03-27. Review status: criteria provided, single submitter. Criteria: Invitae Variant Classification Sherloc (09022015). Collection method: clinical testing. Allele origin: germline.
Comment: This sequence change replaces histidine, which is basic and polar, with tyrosine, which is neutral and polar, at codon 33 of the ALG8 protein (p.His33Tyr). This variant is not present in population databases (gnomAD no frequency). This variant has not been reported in the literature in individuals affected with ALG8-related conditions. ClinVar contains an entry for this variant (Variation ID: 2441681). An algorithm developed to predict the effect of missense changes on protein structure and function outputs the following: PolyPhen-2: "Benign". The tyrosine amino acid residue is found in multiple mammalian species, which suggests that this missense change does not adversely affect protein function. In summary, the available evidence is currently insufficient to determine the role of this variant in disease. Therefore, it has been classified as a Variant of Uncertain Significance.

Baylor Genetics
Classification: Uncertain significance for ALG8 congenital disorder of glycosylation. Last evaluated: 2023-05-04. Review status: criteria provided, single submitter. Criteria: ACMG Guidelines, 2015. Collection method: clinical testing. Allele origin: unknown.

NM_024079.5(ALG8):c.97C>T (p.His33Tyr)

Gene: ALG8 (ALG8 alpha-1,3-glucosyltransferase; minus strand). Cytogenetic location: 11q14.1.
Variant type: single nucleotide variant.
Coding change: c.97C>T on transcript NM_024079.5 (MANE Select); coding-DNA position 97, C replaced by T.
Protein change: p.His33Tyr; replaces histidine 33 with tyrosine.
Molecular consequence: missense variant.
Genome position (GRCh38, 1-based): chr11:78,127,435, G>A on the plus strand (C>T on the coding strand, the complement: ALG8 is on the minus strand). VCF-style: chr11-78127435-G-A. GRCh37 (hg19) VCF-style: chr11-77838481-G-A.
Other names: c.97C>T, p.His33Tyr (NM_001007027.3); short protein forms H33Y.
Identifiers: ClinVar variation 2441681 (VCV002441681.6), dbSNP rs896148127, ClinGen allele CA224884287.